The following is an entry in ClinVar:

NM_001122769.3(LCA5):c.1819_1820del (p.Gln607fs)

Gene: LCA5 (lebercilin LCA5; minus strand). Cytogenetic location: 6q14.1.
Variant type: Deletion.
Coding change: c.1819_1820del on transcript NM_001122769.3 (MANE Select); coding-DNA positions 1819 to 1820, 2 bases deleted (CA; older notation c.1819_1820delCA).
Protein change: p.Gln607fs; shifts the reading frame from glutamine 607.
Molecular consequence: frameshift variant.
Genome position (GRCh38, 1-based): chr6:79,487,278-79,487,279, TG deleted on the plus strand (CA on the coding strand, the reverse complement: LCA5 is on the minus strand); deleting any 2 consecutive bases within chr6:79,487,278-79,487,280 gives the same sequence; the c. name uses the placement nearest the transcript's 3' end. VCF-style (leftmost placement, unchanged base first): chr6-79487277-CTG-C. GRCh37 (hg19) VCF-style: chr6-80196994-CTG-C.
Other names: c.1819_1820del, p.Gln607fs (NM_181714.4); c.1819_1820delCA (NM_181714.4, NM_181714.3); short protein forms Q607fs.
Identifiers: ClinVar variation 2136438 (VCV002136438.5), dbSNP rs1180426748, ClinGen allele CA568599191.

ClinVar aggregate classification (germline): Conflicting classifications of pathogenicity. Review status: criteria provided, conflicting classifications (1 of 4 stars). 4 submissions from 4 submitters: Pathogenic (2); Likely pathogenic (1); Uncertain significance (1). Last evaluated 2026-06-04.

Conditions:
Leber congenital amaurosis 5 (LCA5). Also called: Amaurosis congenita of Leber, type 5. Identifiers: Orphanet 65, MedGen C1858301, MONDO:0011473, OMIM 604537.
Leber congenital amaurosis (LCA). Also called: Leber's amaurosis. Identifiers: Orphanet 65, MedGen C0339527, MeSH D057130, MONDO:0018998.

Submissions (4):

Women's Health and Genetics/Laboratory Corporation of America, LabCorp
Classification: Pathogenic for Leber congenital amaurosis. Last evaluated: 2026-06-04. Review status: criteria provided, single submitter. Criteria: LabCorp Variant Classification Summary - May 2015. Collection method: clinical testing. Allele origin: germline.
Comment: Variant summary: LCA5 c.1819_1820delCA (p.Gln607ValfsX7) results in a premature termination codon in the last exon and is predicted to cause a truncation of the encoded protein, however, nonsense mediated decay is not expected to occur. The variant allele was found at a frequency of 8e-06 in 250674 control chromosomes. c.1819_1820delCA has been observed in individuals affected with Leber congenital amaurosis or retinitis pigmentosa (Li_2011, Wang_2018, Wang_2019). These data indicate that the variant is likely to be associated with disease. To our knowledge, no experimental evidence demonstrating an impact on protein function has been reported. The following publications have been ascertained in the context of this evaluation (PMID: 21602930, 33090715, 30029497, 31106028). ClinVar contains an entry for this variant (Variation ID: 2136438). Based on the evidence outlined above, the variant was classified as pathogenic.

Natera, Inc.
Classification: Likely pathogenic for Leber congenital amaurosis type 5. Last evaluated: 2025-11-03. Review status: criteria provided, single submitter. Criteria: Natera Variant Classification Schema (03/2026). Collection method: clinical testing. Allele origin: germline.
Comment: The c.1819_1820delCA variant in LCA5 is a frameshift variant predicted to shift the reading frame beginning at codon 607 and leads to a stop codon 7 codons downstream. This variant is expected to result in nonsense mediated decay, truncation, or a dysfunctional protein product. This variant is rare in the general population with a frequency below the threshold expected for the associated phenotype(s). This variant has been observed in one or more individuals affected with the associated recessive disease, as either homozygous or compound heterozygous with a second variant (PMID: 30029497, 31106028). Given the available evidence, this variant is classified as Likely Pathogenic.

Baylor Genetics
Classification: Pathogenic for Leber congenital amaurosis 5. Last evaluated: 2024-01-22. Review status: criteria provided, single submitter. Criteria: ACMG Guidelines, 2015. Collection method: clinical testing. Allele origin: unknown.

Labcorp Genetics (formerly Invitae), Labcorp
Classification: Uncertain significance. Last evaluated: 2022-05-24. Review status: criteria provided, single submitter. Criteria: Invitae Variant Classification Sherloc (09022015). Collection method: clinical testing. Allele origin: germline.
Comment: This sequence change creates a premature translational stop signal (p.Gln607Valfs*7) in the LCA5 gene. While this is not anticipated to result in nonsense mediated decay, it is expected to disrupt the last 91 amino acid(s) of the LCA5 protein. This variant is present in population databases (no rsID available, gnomAD 0.02%). This premature translational stop signal has been observed in individual(s) with inherited retinal dystrophy (PMID: 21602930, 30029497, 33090715). Experimental studies and prediction algorithms are not available or were not evaluated, and the functional significance of this variant is currently unknown. This variant disrupts the C-terminus of the LCA5 protein. Other variant(s) that disrupt this region (p.Leu608Tyrfs*30 ) have been observed in individuals with LCA5-related conditions (PMID: 33957996). This suggests that this may be a clinically significant region of the protein. In summary, the available evidence is currently insufficient to determine the role of this variant in disease. Therefore, it has been classified as a Variant of Uncertain Significance.

Literature cited by the submitters: PubMed 31106028 (cited by Women's Health and Genetics/Laboratory Corporation of America, LabCorp and Natera, Inc.); PubMed 30029497 (cited by 3 submitters); PubMed 33090715 (cited by Women's Health and Genetics/Laboratory Corporation of America, LabCorp and Labcorp Genetics (formerly Invitae), Labcorp); PubMed 21602930 (cited by Women's Health and Genetics/Laboratory Corporation of America, LabCorp and Labcorp Genetics (formerly Invitae), Labcorp); PubMed 33957996 (cited by Labcorp Genetics (formerly Invitae), Labcorp).